The following is an entry in ClinVar:

NM_153252.5(BRWD3):c.2407A>G (p.Ile803Val)

Gene: BRWD3 (bromodomain and WD repeat domain containing 3; minus strand). Cytogenetic location: Xq21.1.
Variant type: single nucleotide variant.
Coding change: c.2407A>G on transcript NM_153252.5 (MANE Select); coding-DNA position 2407, A replaced by G.
Protein change: p.Ile803Val; replaces isoleucine 803 with valine.
Molecular consequence: missense variant.
Genome position (GRCh38, 1-based): chrX:80,709,496, T>C on the plus strand (A>G on the coding strand, the complement: BRWD3 is on the minus strand). VCF-style: chrX-80709496-T-C. GRCh37 (hg19) VCF-style: chrX-79964995-T-C.
Other names: short protein forms I803V.
Identifiers: ClinVar variation 3658077 (VCV003658077.2).

ClinVar aggregate classification (germline): Uncertain significance (1 of 4 stars; one submission).

gnomAD v4.1: 4 of 1,207,928 alleles (0.00033%); highest among the groups gnomAD compares: African/African-American, 0.0018%; no homozygotes.

Submission:

Labcorp Genetics (formerly Invitae), Labcorp
Classification: Uncertain significance. Last evaluated: 2024-06-28. Review status: criteria provided, single submitter. Criteria: Invitae Variant Classification Sherloc (09022015). Collection method: clinical testing. Allele origin: germline.
Comment: This sequence change replaces isoleucine, which is neutral and non-polar, with valine, which is neutral and non-polar, at codon 803 of the BRWD3 protein (p.Ile803Val). This variant is not present in population databases (gnomAD no frequency). This variant has not been reported in the literature in individuals affected with BRWD3-related conditions. Advanced modeling of protein sequence and biophysical properties (such as structural, functional, and spatial information, amino acid conservation, physicochemical variation, residue mobility, and thermodynamic stability) performed at Invitae indicates that this missense variant is not expected to disrupt BRWD3 protein function with a negative predictive value of 80%. In summary, the available evidence is currently insufficient to determine the role of this variant in disease. Therefore, it has been classified as a Variant of Uncertain Significance.